The following is an entry in ClinVar:

ClinVar aggregate classification (germline): Uncertain significance. Review status: criteria provided, multiple submitters, no conflicts (2 of 4 stars). 2 submissions from 2 submitters: Uncertain significance (2). Last evaluated 2025-08-22.

Conditions:
Inborn genetic diseases. Identifiers: MedGen C0950123, MeSH D030342.

gnomAD v4.1: 29 of 1,612,870 alleles (0.0018%); highest among the groups gnomAD compares: Non-Finnish European, 0.0025%; no homozygotes.

Submissions (2):

Ambry Genetics
Classification: Uncertain significance for Inborn genetic diseases. Last evaluated: 2025-08-22. Review status: criteria provided, single submitter. Criteria: Ambry Variant Classification Scheme 2023. Collection method: clinical testing. Allele origin: germline.

GeneDx
Classification: Uncertain significance. Last evaluated: 2025-04-24. Review status: criteria provided, single submitter. Criteria: GeneDx Variant Classification Process June 2021. Collection method: clinical testing. Allele origin: germline. Affected: yes.
Comment: Not observed at significant frequency in large population cohorts (gnomAD); In silico analysis indicates that this missense variant does not alter protein structure/function; Has not been previously published as pathogenic or benign to our knowledge

NM_021942.6(TRAPPC11):c.1753G>A (p.Val585Met)

Gene: TRAPPC11 (trafficking protein particle complex subunit 11; plus strand). Cytogenetic location: 4q35.1.
Variant type: single nucleotide variant.
Coding change: c.1753G>A on transcript NM_021942.6 (MANE Select); coding-DNA position 1753, G replaced by A.
Protein change: p.Val585Met; replaces valine 585 with methionine.
Molecular consequence: missense variant.
Genome position (GRCh38, 1-based): chr4:183,685,394, G>A. VCF-style: chr4-183685394-G-A. GRCh37 (hg19) VCF-style: chr4-184606547-G-A.
Other names: c.1753G>A, p.Val585Met (NM_199053.3); c.1753G>A (NM_021942.5); short protein forms V585M.
Identifiers: ClinVar variation 4190068 (VCV004190068.2).
Genomic context (GRCh38, chr4:183,685,394, plus strand): 5'-TGGGCAGACCGAATTTCTCTGGCTGGCAGCAATATTTTCACAATAGGAGTACAGGACTTT[G>A]TGCCATTTGGTAGGTAGCTAACATCTACAGTACTATTTCAGAGAAATTGTCTTATTTCTA-3'
Protein context (NP_068761.4, residues 575-595): NIFTIGVQDF[Val585Met]PFVQCKAKFH